The following is an entry in ClinVar:

ClinVar aggregate classification (germline): Uncertain significance (1 of 4 stars; one submission).

Conditions:
Inborn genetic diseases. Identifiers: MedGen C0950123, MeSH D030342.

Submission:

Ambry Genetics
Classification: Uncertain significance for Inborn genetic diseases. Last evaluated: 2020-11-12. Review status: criteria provided, single submitter. Criteria: Ambry Variant Classification Scheme 2023. Collection method: clinical testing. Allele origin: germline.
Comment: The c.1856A>G (p.Q619R) alteration is located in exon 14 (coding exon 13) of the SCYL2 gene. This alteration results from a A to G substitution at nucleotide position 1856, causing the glutamine (Q) at amino acid position 619 to be replaced by an arginine (R). Based on data from the Genome Aggregation Database (gnomAD), the SCYL2 c.1856A>G alteration was not observed, with coverage at this position. This amino acid position is completely conserved on sequence alignment. The p.Q619R alteration is predicted to be tolerated by in silico analysis. Based on insufficient or conflicting evidence, the clinical significance of this alteration remains unclear.

NM_017988.6(SCYL2):c.1856A>G (p.Gln619Arg)

Gene: SCYL2 (SCY1 like pseudokinase 2; plus strand). Cytogenetic location: 12q23.1.
Variant type: single nucleotide variant.
Coding change: c.1856A>G on transcript NM_017988.6 (MANE Select); coding-DNA position 1856, A replaced by G.
Protein change: p.Gln619Arg; replaces glutamine 619 with arginine.
Molecular consequence: missense variant.
Genome position (GRCh38, 1-based): chr12:100,334,260, A>G. VCF-style: chr12-100334260-A-G. GRCh37 (hg19) VCF-style: chr12-100728038-A-G.
Other names: c.1856A>G, p.Gln619Arg (NM_001317784.2); c.1868A>G, p.Gln623Arg (NM_001330253.2, NM_001330254.2); c.1349A>G, p.Gln450Arg (NM_001330256.2); short protein forms Q450R, Q619R, Q623R.
Identifiers: ClinVar variation 2227937 (VCV002227937.2), dbSNP rs1952248015, ClinGen allele CA386215879.